The following is an entry in ClinVar:

NM_000053.4(ATP7B):c.1865T>C (p.Ile622Thr)

Gene: ATP7B (ATPase copper transporting beta; minus strand). Cytogenetic location: 13q14.3.
Variant type: single nucleotide variant.
Coding change: c.1865T>C on transcript NM_000053.4 (MANE Select); coding-DNA position 1865, T replaced by C.
Protein change: p.Ile622Thr; replaces isoleucine 622 with threonine.
Molecular consequence: missense variant.
Genome position (GRCh38, 1-based): chr13:51,964,876, A>G on the plus strand (T>C on the coding strand, the complement: ATP7B is on the minus strand). VCF-style: chr13-51964876-A-G. GRCh37 (hg19) VCF-style: chr13-52539012-A-G.
Other names: c.1865T>C, p.Ile622Thr (NM_001005918.3, NM_001330578.2, NM_001330579.2 and 24 more transcripts); c.1532T>C, p.Ile511Thr (NM_001243182.2); c.1832T>C, p.Ile611Thr (NM_001406514.1, NM_001406524.1); c.1769T>C, p.Ile590Thr (NM_001406517.1, NM_001406518.1, NM_001406543.1 and 3 more transcripts); c.1436T>C, p.Ile479Thr (NM_001406539.1); short protein forms I479T, I511T, I590T, I611T, I622T.
Identifiers: ClinVar variation 2414238 (VCV002414238.6), dbSNP rs1339155702, ClinGen allele CA388029908.
Genomic context (GRCh38, chr13:51,964,876, plus strand): 5'-GATTATATATTACTGTTTTTAAAAAGGTGACTACAATTTTTTAATGAATTACTTACCTCA[A>G]TAATTTTGATAATATCCCGTGGACCGATAATTTCCGGGTCAAACTTAACAAGGGCTTTGC-3'
Protein context (NP_000044.2, residues 612-632): IIGPRDIIKI[Ile622Thr]EEIGFHASLA

ClinVar aggregate classification (germline): Uncertain significance. Review status: criteria provided, multiple submitters, no conflicts (2 of 4 stars). 3 submissions from 3 submitters: Uncertain significance (3). Last evaluated 2025-07-28.

Conditions:
Wilson disease (WND). Also called: Wilson's disease. Identifiers: Orphanet 905, MedGen C0019202, MONDO:0010200, OMIM 277900. Disease mechanism: loss of function.

Allele frequency attached by ClinVar (database versions not stated): gnomAD exomes below 0.00001.
gnomAD v4.1: 5 of 1,614,070 alleles (0.00031%); highest among the groups gnomAD compares: Non-Finnish European, 0.00034%; no homozygotes.

Submissions (3):

Color Diagnostics, LLC DBA Color Health
Classification: Uncertain significance for Wilson disease. Last evaluated: 2025-07-28. Review status: criteria provided, single submitter. Criteria: ACMG Guidelines, 2015. Collection method: clinical testing. Allele origin: germline.
Comment: This missense variant replaces isoleucine with threonine at codon 622 of the ATP7B protein. Computational prediction suggests that this variant may have deleterious impact on protein structure and function. To our knowledge, functional studies have not been reported for this variant. This variant has not been reported in individuals affected with ATP7B-related disorders in the literature. This variant has been identified in 1/249544 chromosomes in the general population by the Genome Aggregation Database (gnomAD). The available evidence is insufficient to determine the role of this variant in disease conclusively. Therefore, this variant is classified as a Variant of Uncertain Significance.

Labcorp Genetics (formerly Invitae), Labcorp
Classification: Uncertain significance for Wilson disease. Last evaluated: 2022-03-28. Review status: criteria provided, single submitter. Criteria: Invitae Variant Classification Sherloc (09022015). Collection method: clinical testing. Allele origin: germline.
Comment: This sequence change replaces isoleucine, which is neutral and non-polar, with threonine, which is neutral and polar, at codon 622 of the ATP7B protein (p.Ile622Thr). This variant is present in population databases (no rsID available, gnomAD 0.0009%). This variant has not been reported in the literature in individuals affected with ATP7B-related conditions. Advanced modeling of protein sequence and biophysical properties (such as structural, functional, and spatial information, amino acid conservation, physicochemical variation, residue mobility, and thermodynamic stability) performed at Invitae indicates that this missense variant is expected to disrupt ATP7B protein function. In summary, the available evidence is currently insufficient to determine the role of this variant in disease. Therefore, it has been classified as a Variant of Uncertain Significance.

Juno Genomics, Hangzhou Juno Genomics, Inc
Classification: Uncertain significance for Wilson disease. Review status: criteria provided, single submitter. Criteria: ACMG Guidelines, 2015. Collection method: clinical testing. Allele origin: germline.
Comment: Absent from controls (or at extremely low frequency if recessive) in Genome Aggregation Database.;Multiple lines of computational evidence support a deleterious effect on the gene or gene product.